The following is an entry in ClinVar:

ClinVar aggregate classification (germline): Likely benign. Review status: criteria provided, multiple submitters, no conflicts (2 of 4 stars). 3 submissions from 3 submitters: Likely benign (2). 1 of the submissions does not count toward it. Last evaluated 2026-06-24.

Conditions:
Inborn genetic diseases. Identifiers: MedGen C0950123, MeSH D030342.
Kabuki syndrome. Also called: NIIKAWA-KUROKI SYNDROME; Kabuki make-up syndrome. Identifiers: Orphanet 2322, MedGen C0796004, MONDO:0016512.
KMT2D-related disorder. Also called: KMT2D-Related Disorders.

Allele frequency attached by ClinVar (database versions not stated): gnomAD 0.00001; ExAC 0.00002; TOPMed 0.00001; gnomAD exomes 0.00002.
gnomAD v4.1: 31 of 1,612,190 alleles (0.0019%); highest among the groups gnomAD compares: Non-Finnish European, 0.0025%; no homozygotes.

Submissions (3):

Ambry Genetics
Classification: Likely benign for Inborn genetic diseases. Last evaluated: 2026-06-24. Review status: criteria provided, single submitter. Criteria: Ambry Variant Classification Scheme 2023. Collection method: clinical testing. Allele origin: germline.

Labcorp Genetics (formerly Invitae), Labcorp
Classification: Likely benign for Kabuki syndrome. Last evaluated: 2025-05-27. Review status: criteria provided, single submitter. Criteria: Invitae Variant Classification Sherloc (09022015). Collection method: clinical testing. Allele origin: germline.

PreventionGenetics, part of Exact Sciences
Classification: Likely benign for KMT2D-related condition. Last evaluated: 2019-08-20. Review status: no assertion criteria provided. Collection method: clinical testing. Allele origin: germline. Not counted in ClinVar's aggregate classification.
Comment: This variant is classified as likely benign based on ACMG/AMP sequence variant interpretation guidelines (Richards et al. 2015 PMID: 25741868, with internal and published modifications).

NM_003482.4(KMT2D):c.6816G>T (p.Leu2272=)

Gene: KMT2D (lysine methyltransferase 2D; minus strand). Cytogenetic location: 12q13.12.
Variant type: single nucleotide variant.
Coding change: c.6816G>T on transcript NM_003482.4 (MANE Select); coding-DNA position 6816, G replaced by T.
Protein change: p.Leu2272=; no amino-acid change (leucine 2272 retained).
Molecular consequence: synonymous variant.
Genome position (GRCh38, 1-based): chr12:49,040,954, C>A on the plus strand (G>T on the coding strand, the complement: KMT2D is on the minus strand). VCF-style: chr12-49040954-C-A. GRCh37 (hg19) VCF-style: chr12-49434737-C-A.
Other names: c.6816G>T (NM_003482.3).
Identifiers: ClinVar variation 1604919 (VCV001604919.11), dbSNP rs765351178, ClinGen allele CA6547176.